The following is an entry in ClinVar:

ClinVar aggregate classification (germline): Uncertain significance (1 of 4 stars; one submission).

Submission:

Women's Health and Genetics/Laboratory Corporation of America, LabCorp
Classification: Uncertain significance. Last evaluated: 2026-06-24. Review status: criteria provided, single submitter. Criteria: LabCorp Variant Classification Summary - May 2015. Collection method: clinical testing. Allele origin: germline.
Comment: Variant summary: OCRL c.1292A>G (p.Asp431Gly) results in a non-conservative amino acid change in the encoded protein sequence. Algorithms developed to predict the effect of missense changes on protein structure and function all suggest that this variant is likely to be disruptive. The variant was absent in 183157 control chromosomes. The available data on variant occurrences in the general population are insufficient to allow any conclusion about variant significance. To our knowledge, no occurrence of c.1292A>G in individuals affected with OCRL-related conditions and no experimental evidence demonstrating its impact on protein function have been reported. No submitters have cited clinical-significance assessments for this variant to ClinVar. Based on the evidence outlined above, the variant was classified as uncertain significance.

NM_000276.4(OCRL):c.1292A>G (p.Asp431Gly)

Gene: OCRL (OCRL inositol polyphosphate-5-phosphatase; plus strand). Cytogenetic location: Xq26.1.
Variant type: single nucleotide variant.
Coding change: c.1292A>G on transcript NM_000276.4 (MANE Select); coding-DNA position 1292, A replaced by G.
Protein change: p.Asp431Gly; replaces aspartic acid 431 with glycine.
Molecular consequence: missense variant.
Genome position (GRCh38, 1-based): chrX:129,565,819, A>G. VCF-style: chrX-129565819-A-G. GRCh37 (hg19) VCF-style: chrX-128699796-A-G.
Other names: c.1295A>G, p.Asp432Gly (NM_001318784.2); c.1292A>G, p.Asp431Gly (NM_001587.4); short protein forms D431G, D432G.
Identifiers: ClinVar variation 4887717 (VCV004887717.1).